The following is an entry in ClinVar:

ClinVar aggregate classification (germline): Pathogenic (1 of 4 stars; one submission).

Conditions:
Early-infantile DEE. Also called: Ohtahara syndrome; Early infantile epileptic encephalopathy with suppression bursts; Early infantile epileptic encephalopathy. Identifiers: Orphanet 1934, MedGen C0393706, MONDO:0800491.

Submission:

Labcorp Genetics (formerly Invitae), Labcorp
Classification: Pathogenic for Early-infantile DEE. Last evaluated: 2020-07-24. Review status: criteria provided, single submitter. Criteria: Invitae Variant Classification Sherloc (09022015). Collection method: clinical testing. Allele origin: germline.
Comment: This sequence change creates a premature translational stop signal (p.Cys1396*) in the SCN1A gene. It is expected to result in an absent or disrupted protein product. For these reasons, this variant has been classified as Pathogenic. Loss-of-function variants in SCN1A are known to be pathogenic (PMID: 17347258, 18930999). This variant has not been reported in the literature in individuals with SCN1A-related conditions. This variant is not present in population databases (ExAC no frequency).

Literature cited by the submitters: PubMed 17347258; PubMed 18930999.

NM_001165963.4(SCN1A):c.4184_4187dup (p.Cys1396Ter)

Genes: SCN1A (sodium voltage-gated channel alpha subunit 1; minus strand), LOC102724058 (uncharacterized LOC102724058; plus strand). Cytogenetic location: 2q24.3.
Variant type: Duplication.
Coding change: c.4184_4187dup on transcript NM_001165963.4 (MANE Select); coding-DNA positions 4184 to 4187, 4 bases duplicated (ATTG; older notation c.4184_4187dupATTG).
Protein change: p.Cys1396Ter; replaces cysteine 1396 with a stop codon.
Molecular consequence: nonsense. On other transcripts: non-coding transcript variant (1).
Genome position (GRCh38, 1-based): chr2:166,002,569-166,002,572, CAAT duplicated on the plus strand (ATTG on the coding strand, the reverse complement: SCN1A is on the minus strand); duplicating any 4 consecutive bases within chr2:166,002,569-166,002,574 gives the same sequence; the c. name uses the placement nearest the transcript's 3' end. VCF-style (leftmost placement, unchanged base first): chr2-166002568-G-GCAAT. GRCh37 (hg19) VCF-style: chr2-166859078-G-GCAAT.
Other names: c.4100_4103dup, p.Cys1368Ter (NM_001165964.3, NM_001353957.2, NM_001353958.2); c.4184_4187dup, p.Cys1396Ter (NM_001202435.3, NM_001353948.2); c.4151_4154dup, p.Cys1385Ter (NM_001353949.2, NM_001353950.2, NM_001353951.2 and 2 more transcripts); c.4148_4151dup, p.Cys1384Ter (NM_001353954.2, NM_001353955.2); c.4097_4100dup, p.Cys1367Ter (NM_001353960.2); c.1742_1745dup, p.Cys582Ter (NM_001353961.2); short protein forms C1367*, C1368*, C1384*, C1385*, C1396*, C582*.
Identifiers: ClinVar variation 1076415 (VCV001076415.8), dbSNP rs2105508605, ClinGen allele CA2499215191.